The following is an entry in ClinVar:

NC_000008.11:g.103415126C>T

Gene: SLC25A32 (solute carrier family 25 member 32; minus strand). Cytogenetic location: 8q22.3.
Variant type: single nucleotide variant.
Genome position: GRCh38 VCF-style: chr8-103415126-C-T. GRCh37 (hg19) VCF-style: chr8-104427354-C-T.
Identifiers: ClinVar variation 1706795 (VCV001706795.2), dbSNP rs146475888, ClinGen allele CA4835660.

ClinVar aggregate classification (germline): Likely benign (1 of 4 stars; one submission).

Allele frequency attached by ClinVar (database versions not stated): 1000 Genomes Project 0.00459; ESP Exome Variant Server 0.00477; 1000 Genomes Project 30x 0.00484; gnomAD 0.00588.

Submission:

GeneDx
Classification: Likely benign. Last evaluated: 2021-06-01. Review status: criteria provided, single submitter. Criteria: GeneDx Variant Classification Process June 2021. Collection method: clinical testing. Allele origin: germline. Affected: yes.
Comment: See Variant Classification Assertion Criteria.